The following is an entry in ClinVar:

ClinVar aggregate classification (germline): Uncertain significance (1 of 4 stars; one submission).

Submission:

Women's Health and Genetics/Laboratory Corporation of America, LabCorp
Classification: Uncertain significance. Last evaluated: 2025-06-05. Review status: criteria provided, single submitter. Criteria: LabCorp Variant Classification Summary - May 2015. Collection method: clinical testing. Allele origin: germline.
Comment: Variant summary: MCM3AP c.4673T>A (p.Val1558Asp) results in a non-conservative amino acid change in the encoded protein sequence. Algorithms developed to predict the effect of missense changes on protein structure and function are either unavailable or do not agree on the potential impact of this missense change. The frequency data for this variant in gnomAD is considered unreliable, as metrics indicate poor data quality at this position. To our knowledge, no occurrence of c.4673T>A in individuals affected with Peripheral neuropathy, autosomal recessive, with or without impaired intellectual development and no experimental evidence demonstrating its impact on protein function have been reported. No submitters have cited clinical-significance assessments for this variant to ClinVar. Based on the evidence outlined above, the variant was classified as uncertain significance.

NM_003906.5(MCM3AP):c.4673T>A (p.Val1558Asp)

Genes: MCM3AP (minichromosome maintenance complex component 3 associated protein; minus strand), MCM3AP-AS1 (MCM3AP antisense RNA 1; plus strand). Cytogenetic location: 21q22.3.
Variant type: single nucleotide variant.
Coding change: c.4673T>A on transcript NM_003906.5 (MANE Select); coding-DNA position 4673, T replaced by A.
Protein change: p.Val1558Asp; replaces valine 1558 with aspartic acid.
Molecular consequence: missense variant.
Genome position (GRCh38, 1-based): chr21:46,245,172, A>T on the plus strand (T>A on the coding strand, the complement: MCM3AP is on the minus strand). VCF-style: chr21-46245172-A-T. GRCh37 (hg19) VCF-style: chr21-47665086-A-T.
Other names: short protein forms V1558D.
Identifiers: ClinVar variation 3907367 (VCV003907367.1).
Genomic context (GRCh38, chr21:46,245,172, plus strand): 5'-TCTTCGACGTACTGAATGAGAGTCTGGCAGCAGAGGTCAAGGGAATGGGGGCAGTGGGAA[A>T]CCAGCCACTGCACTGCTTGCAAAACCTGAGAAGAAAGAAGAGACTTGGTTGAACAATTCA-3'
Protein context (NP_003897.2, residues 1548-1568): TKVLQAVQWL[Val1558Asp]SHCPHSLDLC